The following is an entry in ClinVar:

NM_014049.5(ACAD9):c.868G>A (p.Gly290Arg)

Gene: ACAD9 (acyl-CoA dehydrogenase family member 9; plus strand). Cytogenetic location: 3q21.3.
Variant type: single nucleotide variant.
Coding change: c.868G>A on transcript NM_014049.5 (MANE Select); coding-DNA position 868, G replaced by A.
Protein change: p.Gly290Arg; replaces glycine 290 with arginine.
Molecular consequence: missense variant. On other transcripts: non-coding transcript variant (1).
Genome position (GRCh38, 1-based): chr3:128,901,335, G>A. VCF-style: chr3-128901335-G-A. GRCh37 (hg19) VCF-style: chr3-128620178-G-A.
Other names: c.868G>A (NM_014049.4); short protein forms G290R.
Identifiers: ClinVar variation 1454700 (VCV001454700.13), dbSNP rs1018093316, ClinGen allele CA82530759.

ClinVar aggregate classification (germline): Conflicting classifications of pathogenicity. Review status: criteria provided, conflicting classifications (1 of 4 stars). 6 submissions from 6 submitters: Pathogenic (1); Likely pathogenic (4); Uncertain significance (1). Last evaluated 2024-08-19.

Conditions:
Acyl-CoA dehydrogenase 9 deficiency. Also called: Acyl-CoA dehydrogenase family, member 9, deficiency of; MITOCHONDRIAL COMPLEX I DEFICIENCY, NUCLEAR TYPE 20. Identifiers: Orphanet 99901, MedGen C4747517, MONDO:0012624, OMIM 611126.
ACAD9-related disorder. Also called: ACAD9-related condition.

Allele frequency attached by ClinVar (database versions not stated): gnomAD exomes 0.00001; gnomAD 0.00004; TOPMed 0.00004.
gnomAD v4.1: 17 of 1,614,018 alleles (0.0011%); highest among the groups gnomAD compares: Middle Eastern, 0.016%; no homozygotes.

Submissions (6):

Blueprint Genetics
Classification: Likely pathogenic for ACAD9-related disorders. Last evaluated: 2024-08-19. Review status: criteria provided, single submitter. Criteria: ACMG Guidelines, 2015. Collection method: clinical testing. Allele origin: germline. Affected: yes. Observed: 5 variant alleles.

Natera, Inc.
Classification: Likely pathogenic for ACAD9 deficiency. Last evaluated: 2024-06-17. Review status: criteria provided, single submitter. Criteria: Natera Variant Classification Schema (03/2026). Collection method: clinical testing. Allele origin: germline.
Comment: The c.868G>A variant in ACAD9 is a missense variant predicted to cause substitution of glycine to arginine at amino acid 290. This variant is rare in the general population with a frequency below the threshold expected for the associated phenotype(s). This variant has been observed in one or more individuals affected with the associated recessive disease, as either homozygous or compound heterozygous with a second variant (PMID: 30025539, 29142257). Additionally, this variant has been observed to segregate in affected family members (PMID: 30025539). Computational prediction algorithms indicate this variant is likely to affect gene or protein function. Given the available evidence, this variant is classified as Likely Pathogenic.

Fulgent Genetics
Classification: Likely pathogenic for Acyl-CoA dehydrogenase 9 deficiency. Last evaluated: 2024-03-19. Review status: criteria provided, single submitter. Criteria: ACMG Guidelines, 2015. Collection method: clinical testing. Allele origin: germline.

Labcorp Genetics (formerly Invitae), Labcorp
Classification: Pathogenic. Last evaluated: 2024-03-13. Review status: criteria provided, single submitter. Criteria: Invitae Variant Classification Sherloc (09022015). Collection method: clinical testing. Allele origin: germline.
Comment: This sequence change replaces glycine, which is neutral and non-polar, with arginine, which is basic and polar, at codon 290 of the ACAD9 protein (p.Gly290Arg). This variant is present in population databases (no rsID available, gnomAD 0.1%). This missense change has been observed in individual(s) with clinical features of ACAD9 deficiency (PMID: 30025539). It has also been observed to segregate with disease in related individuals. ClinVar contains an entry for this variant (Variation ID: 1454700). Advanced modeling of protein sequence and biophysical properties (such as structural, functional, and spatial information, amino acid conservation, physicochemical variation, residue mobility, and thermodynamic stability) performed at Invitae indicates that this missense variant is expected to disrupt ACAD9 protein function with a positive predictive value of 80%. For these reasons, this variant has been classified as Pathogenic.

AiLife Diagnostics
Classification: Uncertain significance. Last evaluated: 2020-07-08. Review status: criteria provided, single submitter. Criteria: ACMG Guidelines, 2015. Collection method: clinical testing. Allele origin: germline. Affected: yes. Observed: 1 variant allele.

Neuberg Centre For Genomic Medicine, NCGM
Classification: Likely pathogenic for Acyl-CoA dehydrogenase 9 deficiency. Review status: criteria provided, single submitter. Criteria: ACMG Guidelines, 2015. Collection method: clinical testing. Allele origin: germline. Inheritance: Autosomal dominant inheritance. Affected: yes.

Literature cited by the submitters: PubMed 30025539 (cited by 3 submitters); PubMed 29142257 (cited by Natera, Inc.).